The following is an entry in ClinVar:

NM_003036.4(SKI):c.499_500delinsGG (p.Leu167Gly)

Gene: SKI (SKI proto-oncogene; plus strand). Cytogenetic location: 1p36.33.
Variant type: Indel.
Coding change: c.499_500delinsGG on transcript NM_003036.4 (MANE Select); coding-DNA positions 499 to 500, CT replaced by GG.
Protein change: p.Leu167Gly; replaces leucine 167 with glycine.
Molecular consequence: missense variant.
Genome position (GRCh38, 1-based): chr1:2,229,265-2,229,266, CT replaced by GG. VCF-style: chr1-2229265-CT-GG. GRCh37 (hg19) VCF-style: chr1-2160704-CT-GG.
Other names: p.L167G:CTG>GGG; c.499_500delCTinsGG (NM_003036.3); short protein forms L167G.
Identifiers: ClinVar variation 213703 (VCV000213703.4), dbSNP rs863223724, ClinGen allele CA324894.

ClinVar aggregate classification (germline): Likely pathogenic (1 of 4 stars; one submission).

Submission:

GeneDx
Classification: Likely pathogenic. Last evaluated: 2020-04-17. Review status: criteria provided, single submitter. Criteria: GeneDx Variant Classification Process June 2021. Collection method: clinical testing. Allele origin: germline. Affected: yes.
Comment: Not observed in large population cohorts (Lek et al., 2016); In silico analysis supports a deleterious effect on protein structure/function; Has not been previously published as pathogenic or benign to our knowledge